The following is an entry in ClinVar:

NM_001319074.4(RAX2):c.316C>A (p.Leu106Met)

Gene: RAX2 (retina and anterior neural fold homeobox 2; minus strand). Cytogenetic location: 19p13.3.
Variant type: single nucleotide variant.
Coding change: c.316C>A on transcript NM_001319074.4 (MANE Select); coding-DNA position 316, C replaced by A.
Protein change: p.Leu106Met; replaces leucine 106 with methionine.
Molecular consequence: missense variant.
Genome position (GRCh38, 1-based): chr19:3,770,860, G>T on the plus strand (C>A on the coding strand, the complement: RAX2 is on the minus strand). VCF-style: chr19-3770860-G-T. GRCh37 (hg19) VCF-style: chr19-3770858-G-T.
Other names: c.316C>A (NM_032753.3); c.316C>A, p.Leu106Met (NM_032753.4); short protein forms L106M.
Identifiers: ClinVar variation 1047695 (VCV001047695.11), dbSNP rs1020556796, ClinGen allele CA304416793.

ClinVar aggregate classification (germline): Uncertain significance. Review status: criteria provided, multiple submitters, no conflicts (2 of 4 stars). 4 submissions from 4 submitters: Uncertain significance (4). Last evaluated 2026-05-26.

Conditions:
RAX2-related disorder. Also called: RAX2-related disorders; RAX2-related condition.

Allele frequency attached by ClinVar (database versions not stated): TOPMed 0.00004; gnomAD 0.00005 and 0.00006.

Submissions (4):

PreventionGenetics, part of Exact Sciences
Classification: Uncertain significance for RAX2-related condition. Last evaluated: 2026-05-26. Review status: criteria provided, single submitter. Criteria: ACMG Guidelines, 2015. Collection method: clinical testing. Allele origin: germline.
Comment: The RAX2 c.316C>A variant is predicted to result in the amino acid substitution p.Leu106Met. To our knowledge, this variant has not been reported in the literature. This variant is reported in 0.014% of alleles in individuals of European (Non-Finnish) descent in gnomAD. At this time, the clinical significance of this variant is uncertain due to the absence of conclusive functional and genetic evidence.

Labcorp Genetics (formerly Invitae), Labcorp
Classification: Uncertain significance. Last evaluated: 2026-01-12. Review status: criteria provided, single submitter. Criteria: Invitae Variant Classification Sherloc (09022015). Collection method: clinical testing. Allele origin: germline.
Comment: This sequence change replaces leucine, which is neutral and non-polar, with methionine, which is neutral and non-polar, at codon 106 of the RAX2 protein (p.Leu106Met). This variant is present in population databases (no rsID available, gnomAD 0.01%). This variant has not been reported in the literature in individuals affected with RAX2-related conditions. ClinVar contains an entry for this variant (Variation ID: 1047695). An algorithm developed to predict the effect of missense changes on protein structure and function (PolyPhen-2) suggests that this variant is likely to be disruptive. In summary, the available evidence is currently insufficient to determine the role of this variant in disease. Therefore, it has been classified as a Variant of Uncertain Significance.

Ambry Genetics
Classification: Uncertain significance. Last evaluated: 2025-08-31. Review status: criteria provided, single submitter. Criteria: Ambry Variant Classification Scheme 2023. Collection method: clinical testing. Allele origin: germline.

Blueprint Genetics
Classification: Uncertain significance. Last evaluated: 2024-02-21. Review status: criteria provided, single submitter. Criteria: ACMG Guidelines, 2015. Collection method: clinical testing. Allele origin: germline.